The following is an entry in ClinVar:

ClinVar aggregate classification (germline): Uncertain significance (1 of 4 stars; one submission).

Conditions:
MKKS-related disorder. Also called: MKKS-related disorders; MKKS-related condition.

Submission:

PreventionGenetics, part of Exact Sciences
Classification: Uncertain significance for MKKS-related condition. Last evaluated: 2026-06-18. Review status: criteria provided, single submitter. Criteria: ACMG Guidelines, 2015. Collection method: clinical testing. Allele origin: germline.
Comment: The MKKS c.1300A>G variant is predicted to result in the amino acid substitution p.Lys434Glu. To our knowledge, this variant has not been reported in the literature or in a large population database (gnomAD), indicating this variant is rare. At this time, the clinical significance of this variant is uncertain due to the absence of conclusive functional and genetic evidence.

NM_170784.3(MKKS):c.1300A>G (p.Lys434Glu)

Gene: MKKS (MKKS centrosomal shuttling protein; minus strand). Cytogenetic location: 20p12.2.
Variant type: single nucleotide variant.
Coding change: c.1300A>G on transcript NM_170784.3 (MANE Select); coding-DNA position 1300, A replaced by G.
Protein change: p.Lys434Glu; replaces lysine 434 with glutamic acid.
Molecular consequence: missense variant. On other transcripts: non-coding transcript variant (1).
Genome position (GRCh38, 1-based): chr20:10,405,660, T>C on the plus strand (A>G on the coding strand, the complement: MKKS is on the minus strand). VCF-style: chr20-10405660-T-C. GRCh37 (hg19) VCF-style: chr20-10386308-T-C.
Other names: c.1300A>G, p.Lys434Glu (NM_018848.3); short protein forms K434E.
Identifiers: ClinVar variation 4993153 (VCV004993153.1).